The following is an entry in ClinVar:

ClinVar aggregate classification (germline): Benign/Likely benign. Review status: criteria provided, multiple submitters, no conflicts (2 of 4 stars). 2 submissions from 2 submitters: Benign (1); Likely benign (1). Last evaluated 2025-09-08.

Conditions:
ELOVL4-related disorder. Also called: ELOVL4-related condition; ELOVL4-related disorders.

Submissions (2):

Labcorp Genetics (formerly Invitae), Labcorp
Classification: Benign. Last evaluated: 2025-09-08. Review status: criteria provided, single submitter. Criteria: Invitae Variant Classification Sherloc (09022015). Collection method: clinical testing. Allele origin: germline.

PreventionGenetics, part of Exact Sciences
Classification: Likely benign for ELOVL4-related condition. Last evaluated: 2024-11-15. Review status: criteria provided, single submitter. Criteria: ACMG Guidelines, 2015. Collection method: clinical testing. Allele origin: germline.
Comment: This variant is classified as likely benign based on ACMG/AMP sequence variant interpretation guidelines (Richards et al. 2015 PMID: 25741868, with internal and published modifications).

NM_022726.4(ELOVL4):c.289-9dup

Gene: ELOVL4 (ELOVL fatty acid elongase 4; minus strand). Cytogenetic location: 6q14.1.
Variant type: Duplication.
Coding change: c.289-9dup on transcript NM_022726.4 (MANE Select); 9 bases into the intron before coding-DNA position 289, one base duplicated (T; older notation c.289-9dupT).
Molecular consequence: intron variant.
Genome position (GRCh38, 1-based): chr6:79,925,037, A duplicated on the plus strand (T on the coding strand, the reverse complement: ELOVL4 is on the minus strand); the first of 5 consecutive A bases (chr6:79,925,037-79,925,041); duplicating any one gives the same sequence. VCF-style (leftmost placement, unchanged base first): chr6-79925036-G-GA. GRCh37 (hg19) VCF-style: chr6-80634753-G-GA.
Other names: c.289-5dupT (NM_022726.3).
Identifiers: ClinVar variation 1169483 (VCV001169483.10), dbSNP rs763108811, ClinGen allele CA3901564.